The following is an entry in ClinVar:

NM_015259.6(ICOSLG):c.380G>A (p.Ser127Asn)

Gene: ICOSLG (inducible T cell costimulator ligand; minus strand). Cytogenetic location: 21q22.3.
Variant type: single nucleotide variant.
Coding change: c.380G>A on transcript NM_015259.6 (MANE Select); coding-DNA position 380, G replaced by A.
Protein change: p.Ser127Asn; replaces serine 127 with asparagine.
Molecular consequence: missense variant. On other transcripts: intron variant (1).
Genome position (GRCh38, 1-based): chr21:44,236,893, C>T on the plus strand (G>A on the coding strand, the complement: ICOSLG is on the minus strand). VCF-style: chr21-44236893-C-T. GRCh37 (hg19) VCF-style: chr21-45656776-C-T.
Other names: c.380G>A, p.Ser127Asn (NM_001283050.2); c.125G>A, p.Ser42Asn (NM_001283052.2); c.299G>A, p.Ser100Asn (NM_001365759.2); c.56-1331G>A (NM_001283051.2); short protein forms S127N, S42N, S100N.
Identifiers: ClinVar variation 1483750 (VCV001483750.8), dbSNP rs147244364, ClinGen allele CA321498085.
Genomic context (GRCh38, chr21:44,236,893, plus strand): 5'-ATGGACCTAGCTCTCCCCGCCTCGATGGTCCTACCTGCCACATGCAGTGTAACCTCAACG[C>T]TCAAAACCTCCTGGAATCCCAGGGATTGGCTCAACACCAGGCAGTGAAACTTCTGCTCGT-3'
Protein context (NP_056074.1, residues 117-137): SQSLGFQEVL[Ser127Asn]VEVTLHVAAN

ClinVar aggregate classification (germline): Uncertain significance (1 of 4 stars; one submission).

Allele frequency attached by ClinVar (database versions not stated): gnomAD exomes below 0.00001; ExAC 0.00001; 1000 Genomes Project 0.00020.

Submission:

Labcorp Genetics (formerly Invitae), Labcorp
Classification: Uncertain significance. Last evaluated: 2022-08-31. Review status: criteria provided, single submitter. Criteria: Invitae Variant Classification Sherloc (09022015). Collection method: clinical testing. Allele origin: germline.
Comment: In summary, the available evidence is currently insufficient to determine the role of this variant in disease. Therefore, it has been classified as a Variant of Uncertain Significance. Algorithms developed to predict the effect of missense changes on protein structure and function output the following: SIFT: "Tolerated"; PolyPhen-2: "Benign"; Align-GVGD: "Class C0". The asparagine amino acid residue is found in multiple mammalian species, which suggests that this missense change does not adversely affect protein function. ClinVar contains an entry for this variant (Variation ID: 1483750). This variant has not been reported in the literature in individuals affected with ICOSLG-related conditions. This variant is present in population databases (rs147244364, gnomAD 0.001%). This sequence change replaces serine, which is neutral and polar, with asparagine, which is neutral and polar, at codon 127 of the ICOSLG protein (p.Ser127Asn).